The following is an entry in ClinVar:

NM_000336.3(SCNN1B):c.1731C>T (p.Thr577=)

Gene: SCNN1B (sodium channel epithelial 1 subunit beta; plus strand). Cytogenetic location: 16p12.2.
Variant type: single nucleotide variant.
Coding change: c.1731C>T on transcript NM_000336.3 (MANE Select); coding-DNA position 1731, C replaced by T.
Protein change: p.Thr577=; no amino-acid change (threonine 577 retained).
Molecular consequence: synonymous variant.
Genome position (GRCh38, 1-based): chr16:23,380,609, C>T. VCF-style: chr16-23380609-C-T. GRCh37 (hg19) VCF-style: chr16-23391930-C-T.
Other names: p.Thr577=.
Identifiers: ClinVar variation 194168 (VCV000194168.17), dbSNP rs61759923, ClinGen allele CA201006.

ClinVar aggregate classification (germline): Benign/Likely benign. Review status: criteria provided, multiple submitters, no conflicts (2 of 4 stars). 6 submissions from 6 submitters: Benign (1); Likely benign (5). Last evaluated 2026-01-11.

Conditions:
Liddle syndrome 1 (LIDLS1). Also called: PSEUDOALDOSTERONISM. Identifiers: Orphanet 526, MedGen CN031472, MONDO:0020607, OMIM 177200.
Bronchiectasis with or without elevated sweat chloride 1 (BESC1). Also called: Cystic Fibrosis-Like Syndrome. Identifiers: Orphanet 60033, MedGen C2749757, MONDO:0008887, OMIM 211400.
Pseudohypoaldosteronism, type IB1, autosomal recessive. Also called: PHA I, AUTOSOMAL RECESSIVE; Autosomal recessive pseudohypoaldosteronism type 1; Pseudohypoaldosteronism, Type I, Autosomal Recessive; Pseudohypoaldosteronism, Type I, Recessive. Identifiers: Orphanet 171876, Orphanet 756, MedGen C5774176, MONDO:0009917, OMIM 264350.

Allele frequency attached by ClinVar (database versions not stated): gnomAD exomes 0.00021 and 0.00050; ExAC 0.00058; 1000 Genomes Project 0.00080; 1000 Genomes Project 30x 0.00125; gnomAD 0.00197 and 0.00210; ESP Exome Variant Server 0.00200; TOPMed 0.00255.
gnomAD v4.1: 631 of 1,613,936 alleles (0.039%); highest among the groups gnomAD compares: African/African-American, 0.71%; 3 homozygotes.

Submissions (6):

Labcorp Genetics (formerly Invitae), Labcorp
Classification: Benign. Last evaluated: 2026-01-11. Review status: criteria provided, single submitter. Criteria: Invitae Variant Classification Sherloc (09022015). Collection method: clinical testing. Allele origin: germline.

Mayo Clinic Laboratories, Mayo Clinic
Classification: Likely benign. Last evaluated: 2025-10-15. Review status: criteria provided, single submitter. Criteria: ACMG Guidelines, 2015. Collection method: clinical testing. Allele origin: germline. Observed: 1 variant allele.
Comment: BS1, BP4, BP7

Blueprint Genetics
Classification: Likely benign. Last evaluated: 2023-11-20. Review status: criteria provided, single submitter. Criteria: ACMG Guidelines, 2015. Collection method: clinical testing. Allele origin: germline.

Fulgent Genetics
Classification: Likely benign for Liddle syndrome 1; Bronchiectasis with or without elevated sweat chloride 1; Pseudohypoaldosteronism, type IB1, autosomal recessive. Last evaluated: 2021-08-02. Review status: criteria provided, single submitter. Criteria: ACMG Guidelines, 2015. Collection method: clinical testing. Allele origin: unknown.

Eurofins Ntd Llc (ga)
Classification: Likely benign. Last evaluated: 2014-07-30. Review status: criteria provided, single submitter. Criteria: EGL Classification Definitions 2015. Collection method: clinical testing. Allele origin: germline. Observed: 1 variant allele, 1 heterozygote.

PreventionGenetics, part of Exact Sciences
Classification: Likely benign. Review status: criteria provided, single submitter. Criteria: ACMG Guidelines, 2015. Collection method: clinical testing. Allele origin: germline.